The following is an entry in ClinVar:

NM_177438.3(DICER1):c.4025G>A (p.Arg1342His)

Gene: DICER1 (dicer 1, ribonuclease III; minus strand). Cytogenetic location: 14q32.13.
Variant type: single nucleotide variant.
Coding change: c.4025G>A on transcript NM_177438.3 (MANE Select); coding-DNA position 4025, G replaced by A.
Protein change: p.Arg1342His; replaces arginine 1342 with histidine.
Molecular consequence: missense variant.
Genome position (GRCh38, 1-based): chr14:95,103,371, C>T on the plus strand (G>A on the coding strand, the complement: DICER1 is on the minus strand). VCF-style: chr14-95103371-C-T. GRCh37 (hg19) VCF-style: chr14-95569708-C-T.
Other names: c.4025G>A, p.Arg1342His (NM_001195573.1, NM_001271282.3, NM_001291628.2 and 1 more transcripts); short protein forms R1342H.
Identifiers: ClinVar variation 935923 (VCV000935923.10), dbSNP rs767166092, ClinGen allele CA7330958.

ClinVar aggregate classification (germline): Uncertain significance. Review status: criteria provided, multiple submitters, no conflicts (2 of 4 stars). 2 submissions from 2 submitters: Uncertain significance (2). Last evaluated 2024-09-10.

Conditions:
Hereditary cancer-predisposing syndrome. Also called: Tumor predisposition; Hereditary neoplastic syndrome; Neoplastic Syndromes, Hereditary; Hereditary Cancer Syndrome. Identifiers: Orphanet 140162, MedGen C0027672, MeSH D009386, MONDO:0015356.
DICER1-related tumor predisposition. Also called: DICER1 syndrome; DICER1-related pleuropulmonary blastoma cancer predisposition syndrome. Identifiers: Orphanet 284343, MedGen C3839822, MONDO:0100216.

Allele frequency attached by ClinVar (database versions not stated): gnomAD exomes below 0.00001; ExAC 0.00001.
gnomAD v4.1: 1 of 1,614,116 alleles (0.000062%); highest among the groups gnomAD compares: Non-Finnish European, 0.000085%; no homozygotes.

Submissions (2):

Labcorp Genetics (formerly Invitae), Labcorp
Classification: Uncertain significance for DICER1-related tumor predisposition. Last evaluated: 2024-09-10. Review status: criteria provided, single submitter. Criteria: Invitae Variant Classification Sherloc (09022015). Collection method: clinical testing. Allele origin: germline.
Comment: This sequence change replaces arginine, which is basic and polar, with histidine, which is basic and polar, at codon 1342 of the DICER1 protein (p.Arg1342His). This variant is present in population databases (rs767166092, gnomAD 0.007%). This missense change has been observed in individual(s) with head and neck squamous cell carcinoma (PMID: 30672147). ClinVar contains an entry for this variant (Variation ID: 935923). Invitae Evidence Modeling of protein sequence and biophysical properties (such as structural, functional, and spatial information, amino acid conservation, physicochemical variation, residue mobility, and thermodynamic stability) indicates that this missense variant is not expected to disrupt DICER1 protein function with a negative predictive value of 80%. In summary, the available evidence is currently insufficient to determine the role of this variant in disease. Therefore, it has been classified as a Variant of Uncertain Significance.

Ambry Genetics
Classification: Uncertain significance for Hereditary cancer-predisposing syndrome. Last evaluated: 2024-04-01. Review status: criteria provided, single submitter. Criteria: Ambry Variant Classification Scheme 2023. Collection method: clinical testing. Allele origin: germline.
Comment: The p.R1342H variant (also known as c.4025G>A), located in coding exon 20 of the DICER1 gene, results from a G to A substitution at nucleotide position 4025. The arginine at codon 1342 is replaced by histidine, an amino acid with highly similar properties. In a study of DICER1 variants in 9173 exomes from The Cancer Genome Atlas and 175 exomes from the Therapeutically Applicable Research to Generate Effective Treatment, this variant was reported in one case (Kim J et al. Mol Genet Genomic Med, 2019 Mar;7:e555). This amino acid position is highly conserved in available vertebrate species. In addition, this alteration is predicted to be deleterious by in silico analysis. Based on the available evidence, the clinical significance of this alteration remains unclear.

Literature cited by the submitters: PubMed 30672147 (cited by Labcorp Genetics (formerly Invitae), Labcorp and Ambry Genetics).